The following is an entry in ClinVar:

ClinVar aggregate classification (germline): Likely pathogenic (1 of 4 stars; one submission).

Conditions:
Hereditary cancer-predisposing syndrome. Also called: Tumor predisposition; Neoplastic Syndromes, Hereditary; Hereditary Cancer Syndrome; Hereditary neoplastic syndrome. Identifiers: Orphanet 140162, MedGen C0027672, MeSH D009386, MONDO:0015356.

Submission:

Ambry Genetics
Classification: Likely pathogenic for Hereditary cancer-predisposing syndrome. Last evaluated: 2017-06-20. Review status: criteria provided, single submitter. Criteria: Ambry Variant Classification Scheme 2023. Collection method: clinical testing. Allele origin: germline.
Comment: The EX2_3dup gross duplication spans coding exons 2 through 3 in the CHEK2 gene. Additional analysis to determine breakpoints identified that this duplication is in tandem and in frame (Ambry internal data). Structural analysis of this duplication reveals that it would act to disrupt the resulting protein's normal mode of dimerization and activation, ultimately leading to an inactive protein (Ambry internal data). Based on the majority of available evidence to date, this variant is likely to be pathogenic.

NM_007194.4(CHEK2):c.320-1801_592+317dup

Gene: CHEK2 (checkpoint kinase 2; minus strand). Cytogenetic location: 22q12.1.
Variant type: Duplication.
Coding change: c.320-1801_592+317dup on transcript NM_007194.4 (MANE Select); 1801 bases into the intron before coding-DNA position 320 through 317 bases into the intron after coding-DNA position 592, 2,509 bases duplicated.
Molecular consequence: splice acceptor variant, splice donor variant.
Genome position (GRCh38, 1-based): chr22:28,724,660-28,727,168, 2,509 bases duplicated. GRCh37 (hg19): chr22:29,120,649-29,123,157.
Other names: c.-344-1801_-72+317dup (NM_001437942.1); c.320-1801_482+226dup (NM_001349956.3); c.320-1801_592+317dup (NM_145862.3); c.-458-1801_-186+317dup (NM_001257387.3); c.413-1801_685+317dup (NM_001438295.1, NM_001438293.1); c.449-1801_721+317dup (NM_001438294.1, NM_001005735.3).
Identifiers: ClinVar variation 1728822 (VCV001728822.2), ClinGen allele CA2580099401.